The following is an entry in ClinVar:

ClinVar aggregate classification (germline): Benign/Likely benign. Review status: criteria provided, multiple submitters, no conflicts (2 of 4 stars). 5 submissions from 5 submitters: Benign (1); Likely benign (4). Last evaluated 2026-01-16.

Conditions:
Lynch syndrome 4 (LYNCH4). Also called: Colorectal cancer, hereditary nonpolyposis, type 4; Hereditary non-polyposis colorectal cancer, type 4. Identifiers: Orphanet 144, MedGen C1838333, MONDO:0013699, OMIM 614337. Disease mechanism: loss of function.
Hereditary cancer-predisposing syndrome. Also called: Neoplastic Syndromes, Hereditary; Hereditary Cancer Syndrome; Tumor predisposition; Hereditary neoplastic syndrome. Identifiers: Orphanet 140162, MedGen C0027672, MeSH D009386, MONDO:0015356.
Hereditary nonpolyposis colorectal neoplasms. Identifiers: MedGen C0009405, MeSH D003123.

Allele frequency attached by ClinVar (database versions not stated): gnomAD exomes below 0.00001.

Submissions (5):

Labcorp Genetics (formerly Invitae), Labcorp
Classification: Likely benign for Hereditary nonpolyposis colorectal neoplasms. Last evaluated: 2026-01-16. Review status: criteria provided, single submitter. Criteria: Invitae Variant Classification Sherloc (09022015). Collection method: clinical testing. Allele origin: germline.

Myriad Genetics, Inc.
Classification: Benign for Lynch syndrome 4. Last evaluated: 2025-01-31. Review status: criteria provided, single submitter. Criteria: Myriad Autosomal Dominant, Autosomal Recessive and X-Linked Classification Criteria (2023). Collection method: clinical testing. Allele origin: unknown.
Comment: This variant is considered benign. This variant is a silent/synonymous amino acid change and it is not expected to impact splicing.

Color Diagnostics, LLC DBA Color Health
Classification: Likely benign for Hereditary cancer-predisposing syndrome. Last evaluated: 2024-04-15. Review status: criteria provided, single submitter. Criteria: ACMG Guidelines, 2015. Collection method: clinical testing. Allele origin: germline.

CeGaT Center for Human Genetics Tuebingen
Classification: Likely benign. Last evaluated: 2024-03-01. Review status: criteria provided, single submitter. Criteria: CeGaT Center For Human Genetics Tuebingen Variant Classification Criteria Version 2. Collection method: clinical testing. Allele origin: germline. Affected: yes. Observed: 1 variant allele.
Comment: PMS2: PM2:Supporting, BP4, BP7

Ambry Genetics
Classification: Likely benign for Hereditary cancer-predisposing syndrome. Last evaluated: 2018-10-04. Review status: criteria provided, single submitter. Criteria: Ambry Variant Classification Scheme 2023. Collection method: clinical testing. Allele origin: germline.

NM_000535.7(PMS2):c.1776A>G (p.Gln592=)

Gene: PMS2 (PMS1 homolog 2, mismatch repair system component; minus strand). Cytogenetic location: 7p22.1.
Variant type: single nucleotide variant.
Coding change: c.1776A>G on transcript NM_000535.7 (MANE Select); coding-DNA position 1776, A replaced by G.
Protein change: p.Gln592=; no amino-acid change (glutamine 592 retained).
Molecular consequence: synonymous variant. On other transcripts: non-coding transcript variant (1).
Genome position (GRCh38, 1-based): chr7:5,986,989, T>C on the plus strand (A>G on the coding strand, the complement: PMS2 is on the minus strand). VCF-style: chr7-5986989-T-C. GRCh37 (hg19) VCF-style: chr7-6026620-T-C.
Other names: c.1371A>G, p.Gln457= (NM_001322003.2, NM_001322004.2, NM_001322005.2 and 1 more transcripts); c.1620A>G, p.Gln540= (NM_001322006.2); c.1458A>G, p.Gln486= (NM_001322007.2, NM_001322008.2); c.1215A>G, p.Gln405= (NM_001322010.2); c.843A>G, p.Gln281= (NM_001322011.2, NM_001322012.2); c.1203A>G, p.Gln401= (NM_001322013.2); c.1776A>G, p.Gln592= (NM_001322014.2); c.1467A>G, p.Gln489= (NM_001322015.2).
Identifiers: ClinVar variation 646894 (VCV000646894.37), dbSNP rs1583315676, ClinGen allele CA453745911.